The following is an entry in ClinVar:

NM_006904.7(PRKDC):c.4228C>T (p.Pro1410Ser)

Gene: PRKDC (protein kinase, DNA-activated, catalytic subunit; minus strand). Cytogenetic location: 8q11.21.
Variant type: single nucleotide variant.
Coding change: c.4228C>T on transcript NM_006904.7 (MANE Select); coding-DNA position 4228, C replaced by T.
Protein change: p.Pro1410Ser; replaces proline 1410 with serine.
Molecular consequence: missense variant.
Genome position (GRCh38, 1-based): chr8:47,889,066, G>A on the plus strand (C>T on the coding strand, the complement: PRKDC is on the minus strand). VCF-style: chr8-47889066-G-A. GRCh37 (hg19) VCF-style: chr8-48801627-G-A.
Other names: c.4228C>T, p.Pro1410Ser (NM_001081640.2); short protein forms P1410S.
Identifiers: ClinVar variation 3425322 (VCV003425322.1).
Genomic context (GRCh38, chr8:47,889,066, plus strand): 5'-GTACCCACCTCTGTGCTGTTATTTTCTCTCTCAGATGGGTCTCTAGGATATCTTTGTATG[G>A]GGACATCTTTAGAGCTTTCATCAGATTCACACAAACATCAGGAAGATGAGCCATAACCTG-3'
Protein context (NP_008835.5, residues 1400-1420): VNLMKALKMS[Pro1410Ser]YKDILETHLR

ClinVar aggregate classification (germline): Uncertain significance (1 of 4 stars; one submission).

gnomAD v4.1: 1 of 1,613,840 alleles (0.000062%); highest among the groups gnomAD compares: African/African-American, 0.0013%; no homozygotes.

Submission:

Ambry Genetics
Classification: Uncertain significance. Last evaluated: 2024-09-06. Review status: criteria provided, single submitter. Criteria: Ambry Variant Classification Scheme 2023. Collection method: clinical testing. Allele origin: germline.
Comment: The p.P1410S variant (also known as c.4228C>T), located in coding exon 33 of the PRKDC gene, results from a C to T substitution at nucleotide position 4228. The proline at codon 1410 is replaced by serine, an amino acid with similar properties. This amino acid position is conserved. In addition, the in silico prediction for this alteration is inconclusive. Based on the available evidence, the clinical significance of this variant remains unclear.